The following is an entry in ClinVar:

ClinVar aggregate classification (germline): Uncertain significance (1 of 4 stars; one submission).

Submission:

Labcorp Genetics (formerly Invitae), Labcorp
Classification: Uncertain significance. Last evaluated: 2025-02-10. Review status: criteria provided, single submitter. Criteria: Invitae Variant Classification Sherloc (09022015). Collection method: clinical testing. Allele origin: germline.
Comment: This sequence change replaces asparagine, which is neutral and polar, with lysine, which is basic and polar, at codon 782 of the EYS protein (p.Asn782Lys). This variant is not present in population databases (gnomAD no frequency). This variant has not been reported in the literature in individuals affected with EYS-related conditions. ClinVar contains an entry for this variant (Variation ID: 2116940). Invitae Evidence Modeling of protein sequence and biophysical properties (such as structural, functional, and spatial information, amino acid conservation, physicochemical variation, residue mobility, and thermodynamic stability) has been performed for this missense variant. However, the output from this modeling did not meet the statistical confidence thresholds required to predict the impact of this variant on EYS protein function. In summary, the available evidence is currently insufficient to determine the role of this variant in disease. Therefore, it has been classified as a Variant of Uncertain Significance.

NM_001142800.2(EYS):c.2346C>A (p.Asn782Lys)

Gene: EYS (EGF-like photoreceptor maintenance factor; minus strand). Cytogenetic location: 6q12.
Variant type: single nucleotide variant.
Coding change: c.2346C>A on transcript NM_001142800.2 (MANE Select); coding-DNA position 2346, C replaced by A.
Protein change: p.Asn782Lys; replaces asparagine 782 with lysine.
Molecular consequence: missense variant.
Genome position (GRCh38, 1-based): chr6:64,945,828, G>T on the plus strand (C>A on the coding strand, the complement: EYS is on the minus strand). VCF-style: chr6-64945828-G-T. GRCh37 (hg19) VCF-style: chr6-65655721-G-T.
Other names: c.2346C>A, p.Asn782Lys (NM_001292009.2); short protein forms N782K.
Identifiers: ClinVar variation 2116940 (VCV002116940.4), dbSNP rs989960179, ClinGen allele CA364788039.